The following is an entry in ClinVar:

ClinVar aggregate classification (germline): Benign/Likely benign. Review status: criteria provided, multiple submitters, no conflicts (2 of 4 stars). 7 submissions from 7 submitters: Benign (1); Likely benign (6). Last evaluated 2026-09-10.

Conditions:
EDNRB-related disorder. Also called: EDNRB-related disorders; EDNRB-related condition.
ABCD syndrome (ABCDS). Identifiers: MedGen C1838099, MONDO:0010895, OMIM 600501.
Hirschsprung disease, susceptibility to, 2. Identifiers: Orphanet 388, MedGen C1838564, MONDO:0010833, OMIM 600155.
Waardenburg syndrome type 4A (WS4A). Also called: WAARDENBURG SYNDROME WITH HIRSCHSPRUNG DISEASE, TYPE 4A. Identifiers: Orphanet 897, MedGen C1848519, MONDO:0010192, OMIM 277580.

Allele frequency attached by ClinVar (database versions not stated): 1000 Genomes Project 0.00040; 1000 Genomes Project 30x 0.00062; TOPMed 0.00131; ESP Exome Variant Server 0.00146.
gnomAD v4.1: 2,452 of 1,612,630 alleles (0.15%); highest among the groups gnomAD compares: Non-Finnish European, 0.19%; 2 homozygotes.

Submissions (8):

PreventionGenetics, part of Exact Sciences
Classification: Likely benign for EDNRB-related condition. Last evaluated: 2026-09-10. Review status: criteria provided, single submitter. Criteria: ACMG Guidelines, 2015. Collection method: clinical testing. Allele origin: germline.
Comment: This variant is classified as likely benign based on ACMG/AMP sequence variant interpretation guidelines (Richards et al. 2015 PMID: 25741868, with internal and published modifications).

CeGaT Center for Human Genetics Tuebingen
Classification: Likely benign. Last evaluated: 2026-02-01. Review status: criteria provided, single submitter. Criteria: CeGaT Center For Human Genetics Tuebingen Variant Classification Criteria Version 2. Collection method: clinical testing. Allele origin: germline. Affected: yes. Observed: 1 variant allele.
Comment: EDNRB: BP4, BS1

Labcorp Genetics (formerly Invitae), Labcorp
Classification: Benign. Last evaluated: 2026-01-23. Review status: criteria provided, single submitter. Criteria: Invitae Variant Classification Sherloc (09022015). Collection method: clinical testing. Allele origin: germline.

Blueprint Genetics
Classification: Likely benign. Last evaluated: 2024-10-08. Review status: criteria provided, single submitter. Criteria: ACMG Guidelines, 2015. Collection method: clinical testing. Allele origin: germline.

GeneDx
Classification: Likely benign. Last evaluated: 2021-07-02. Review status: criteria provided, single submitter. Criteria: GeneDx Variant Classification Process June 2021. Collection method: clinical testing. Allele origin: germline. Affected: yes.
Comment: This variant is associated with the following publications: (PMID: 20127975, 17223014, 16145050)

Athena Diagnostics
Classification: Likely benign. Last evaluated: 2019-04-10. Review status: criteria provided, single submitter. Criteria: Athena Diagnostics Criteria. Collection method: clinical testing. Allele origin: germline.

Breakthrough Genomics
Classification: Likely benign. Review status: criteria provided, single submitter. Criteria: ACMG Guidelines, 2015. Collection method: not provided. Allele origin: germline. Inheritance: Autosomal recessive inheritance. Affected: yes.

Dr. Peter K. Rogan Lab, Western University
No classification provided (evidence only). Condition: Melanoma. Review status: no classification provided. Collection method: in vitro. Allele origin: not applicable. Functional consequence: retained intron. Not counted in ClinVar's aggregate classification.

Literature cited by the submitters: PubMed 26100139 (cited by Athena Diagnostics).

NM_001122659.3(EDNRB):c.778G>T (p.Val260Phe)

Genes: EDNRB (endothelin receptor type B; minus strand), EDNRB-AS1 (EDNRB antisense RNA 1; plus strand). Cytogenetic location: 13q22.3.
Variant type: single nucleotide variant.
Coding change: c.778G>T on transcript NM_001122659.3 (MANE Select); coding-DNA position 778, G replaced by T.
Protein change: p.Val260Phe; replaces valine 260 with phenylalanine.
Molecular consequence: missense variant.
Genome position (GRCh38, 1-based): chr13:77,903,179, C>A on the plus strand (G>T on the coding strand, the complement: EDNRB is on the minus strand). VCF-style: chr13-77903179-C-A. GRCh37 (hg19) VCF-style: chr13-78477314-C-A.
Other names: c.778G>T (NM_000115.3, NM_000115.4); c.778G>T, p.Val260Phe (NM_000115.5, NM_003991.4); c.1048G>T, p.Val350Phe (NM_001201397.2); short protein forms V260F, V350F.
Identifiers: ClinVar variation 585146 (VCV000585146.23), dbSNP rs77132068, ClinGen allele CA7012260.